The following is an entry in ClinVar:

ClinVar aggregate classification (germline): Uncertain significance. Review status: criteria provided, multiple submitters, no conflicts (2 of 4 stars). 6 submissions from 6 submitters: Uncertain significance (5). 1 of the submissions does not count toward it. Last evaluated 2025-08-18.

Conditions:
Cardiovascular phenotype. Identifiers: MedGen CN230736.
Muscular dystrophy-dystroglycanopathy (congenital with brain and eye anomalies), type A5. Also called: MUSCULAR DYSTROPHY-DYSTROGLYCANOPATHY (CONGENITAL WITH BRAIN AND EYE ANOMALIES), TYPE A, 5; WALKER-WARBURG SYNDROME OR MUSCLE-EYE-BRAIN DISEASE, FKRP-RELATED. Identifiers: Orphanet 588, Orphanet 899, MedGen C3150413, MONDO:0013157, OMIM 613153.
Muscular dystrophy-dystroglycanopathy type B5 (MDDGB5). Also called: MUSCULAR DYSTROPHY, CONGENITAL, 1C; MUSCULAR DYSTROPHY, CONGENITAL, FKRP-RELATED; MUSCULAR DYSTROPHY-DYSTROGLYCANOPATHY (CONGENITAL WITH OR WITHOUT IMPAIRED INTELLECTUAL DEVELOPMENT), TYPE B, 5. Identifiers: MedGen C1847759, MONDO:0011688, OMIM 606612.
Autosomal recessive limb-girdle muscular dystrophy type 2I. Also called: MUSCULAR DYSTROPHY, LIMB-GIRDLE, TYPE 2I; MUSCULAR DYSTROPHY-DYSTROGLYCANOPATHY (LIMB-GIRDLE), TYPE C, 5; MUSCULAR DYSTROPHY-DYSTROGLYCANOPATHY, LIMB-GIRDLE, FRKP-RELATED. Identifiers: Orphanet 34515, MedGen C1846672, MONDO:0011787, OMIM 607155.
Walker-Warburg congenital muscular dystrophy. Also called: Muscular dystrophy-dystroglycanopathy, type A; Walker-Warburg syndrome. Identifiers: Orphanet 899, MedGen C0265221, MONDO:0000171.

Allele frequency attached by ClinVar (database versions not stated): gnomAD exomes 0.00001.

Submissions (6):

Labcorp Genetics (formerly Invitae), Labcorp
Classification: Uncertain significance for Walker-Warburg congenital muscular dystrophy. Last evaluated: 2025-08-18. Review status: criteria provided, single submitter. Criteria: Invitae Variant Classification Sherloc (09022015). Collection method: clinical testing. Allele origin: germline.
Comment: This sequence change replaces proline, which is neutral and non-polar, with serine, which is neutral and polar, at codon 106 of the FKRP protein (p.Pro106Ser). The frequency data for this variant in the population databases is considered unreliable, as metrics indicate poor data quality at this position in the gnomAD database. This variant has not been reported in the literature in individuals affected with FKRP-related conditions. ClinVar contains an entry for this variant (Variation ID: 653261). Invitae Evidence Modeling of protein sequence and biophysical properties (such as structural, functional, and spatial information, amino acid conservation, physicochemical variation, residue mobility, and thermodynamic stability) has been performed for this missense variant. However, the output from this modeling did not meet the statistical confidence thresholds required to predict the impact of this variant on FKRP protein function. In summary, the available evidence is currently insufficient to determine the role of this variant in disease. Therefore, it has been classified as a Variant of Uncertain Significance.

Molecular Diagnostic Laboratory for Inherited Cardiovascular Disease, Montreal Heart Institute
Classification: Uncertain significance for Cardiovascular phenotype. Last evaluated: 2025-04-09. Review status: criteria provided, single submitter. Criteria: ACMG Guidelines, 2015. Collection method: clinical testing. Allele origin: germline. Affected: yes.
Comment: PM2

Fulgent Genetics
Classification: Uncertain significance for Muscular dystrophy-dystroglycanopathy type B5; Autosomal recessive limb-girdle muscular dystrophy type 2I; Muscular dystrophy-dystroglycanopathy (congenital with brain and eye anomalies), type A5. Last evaluated: 2024-05-23. Review status: criteria provided, single submitter. Criteria: ACMG Guidelines, 2015. Collection method: clinical testing. Allele origin: germline.

Ambry Genetics
Classification: Uncertain significance for Cardiovascular phenotype. Last evaluated: 2024-05-11. Review status: criteria provided, single submitter. Criteria: Ambry Variant Classification Scheme 2023. Collection method: clinical testing. Allele origin: germline.
Comment: The p.P106S variant (also known as c.316C>T), located in coding exon 1 of the FKRP gene, results from a C to T substitution at nucleotide position 316. The proline at codon 106 is replaced by serine, an amino acid with similar properties. This amino acid position is highly conserved in available vertebrate species. In addition, the in silico prediction for this alteration is inconclusive. Since supporting evidence is limited at this time, the clinical significance of this alteration remains unclear.

GeneDx
Classification: Uncertain significance. Last evaluated: 2020-02-06. Review status: criteria provided, single submitter. Criteria: GeneDx Variant Classification Process June 2021. Collection method: clinical testing. Allele origin: germline. Affected: yes.
Comment: Not observed at a significant frequency in large population cohorts (Lek et al., 2016); In silico analysis supports that this missense variant does not alter protein structure/function; Has not been previously published as pathogenic or benign to our knowledge

Natera, Inc.
Classification: Uncertain significance for Limb-girdle muscular dystrophy type 2I. Last evaluated: 2020-03-27. Review status: no assertion criteria provided. Collection method: clinical testing. Allele origin: germline. Not counted in ClinVar's aggregate classification.

NM_024301.5(FKRP):c.316C>T (p.Pro106Ser)

Gene: FKRP (fukutin related protein; plus strand). Cytogenetic location: 19q13.32.
Variant type: single nucleotide variant.
Coding change: c.316C>T on transcript NM_024301.5 (MANE Select); coding-DNA position 316, C replaced by T.
Protein change: p.Pro106Ser; replaces proline 106 with serine.
Molecular consequence: missense variant.
Genome position (GRCh38, 1-based): chr19:46,755,766, C>T. VCF-style: chr19-46755766-C-T. GRCh37 (hg19) VCF-style: chr19-47259023-C-T.
Other names: c.316C>T, p.Pro106Ser (NM_001039885.3); short protein forms P106S.
Identifiers: ClinVar variation 653261 (VCV000653261.15), dbSNP rs1164727838, ClinGen allele CA406495089.